The following is an entry in ClinVar:

ClinVar aggregate classification (germline): Benign (0 of 4 stars; one submission).

Conditions:
LRFN5-related disorder. Also called: LRFN5-related condition.

Allele frequency attached by ClinVar (database versions not stated): gnomAD exomes 0.00045; ExAC 0.00139; 1000 Genomes Project 0.00439; gnomAD 0.00481; TOPMed 0.00515; 1000 Genomes Project 30x 0.00531; ESP Exome Variant Server 0.00554.
gnomAD v4.1: 1,393 of 1,614,110 alleles (0.086%); highest among the groups gnomAD compares: African/African-American, 1.7%; 9 homozygotes.

Submission:

PreventionGenetics, part of Exact Sciences
Classification: Benign for LRFN5-related condition. Last evaluated: 2019-05-20. Review status: no assertion criteria provided. Collection method: clinical testing. Allele origin: germline.
Comment: This variant is classified as benign based on ACMG/AMP sequence variant interpretation guidelines (Richards et al. 2015 PMID: 25741868, with internal and published modifications).

NM_152447.5(LRFN5):c.177A>C (p.Ala59=)

Gene: LRFN5 (leucine rich repeat and fibronectin type III domain containing 5; plus strand). Cytogenetic location: 14q21.1.
Variant type: single nucleotide variant.
Coding change: c.177A>C on transcript NM_152447.5 (MANE Select); coding-DNA position 177, A replaced by C.
Protein change: p.Ala59=; no amino-acid change (alanine 59 retained).
Molecular consequence: synonymous variant. On other transcripts: non-coding transcript variant (2).
Genome position (GRCh38, 1-based): chr14:41,886,802, A>C. VCF-style: chr14-41886802-A-C. GRCh37 (hg19) VCF-style: chr14-42356005-A-C.
Other names: c.177A>C, p.Ala59= (NM_001330106.2, NM_001346173.2, NM_001346175.2).
Identifiers: ClinVar variation 3041312 (VCV003041312.2), dbSNP rs1886164, ClinGen allele CA7165384.